The following is an entry in ClinVar:

ClinVar aggregate classification (germline): Uncertain significance (1 of 4 stars; one submission).

Conditions:
Hereditary cancer-predisposing syndrome. Also called: Neoplastic Syndromes, Hereditary; Tumor predisposition; Hereditary neoplastic syndrome; Hereditary Cancer Syndrome. Identifiers: Orphanet 140162, MedGen C0027672, MeSH D009386, MONDO:0015356.

Submission:

Ambry Genetics
Classification: Uncertain significance for Hereditary cancer-predisposing syndrome. Last evaluated: 2025-07-02. Review status: criteria provided, single submitter. Criteria: Ambry Variant Classification Scheme 2023. Collection method: clinical testing. Allele origin: germline.
Comment: The p.S89F variant (also known as c.266C>T), located in coding exon 3 of the SDHD gene, results from a C to T substitution at nucleotide position 266. The serine at codon 89 is replaced by phenylalanine, an amino acid with highly dissimilar properties. This amino acid position is not well conserved in available vertebrate species. In addition, this alteration is predicted to be deleterious by in silico analysis. Based on the available evidence, the clinical significance of this variant remains unclear.

NM_003002.4(SDHD):c.266C>T (p.Ser89Phe)

Gene: SDHD (succinate dehydrogenase complex subunit D; plus strand). Cytogenetic location: 11q23.1.
Variant type: single nucleotide variant.
Coding change: c.266C>T on transcript NM_003002.4 (MANE Select); coding-DNA position 266, C replaced by T.
Protein change: p.Ser89Phe; replaces serine 89 with phenylalanine.
Molecular consequence: missense variant. On other transcripts: non-coding transcript variant (1), intron variant (1).
Genome position (GRCh38, 1-based): chr11:112,088,963, C>T. VCF-style: chr11-112088963-C-T. GRCh37 (hg19) VCF-style: chr11-111959687-C-T.
Other names: c.149C>T, p.Ser50Phe (NM_001276504.2); c.266C>T, p.Ser89Phe (NM_001276506.2); c.169+990C>T (NM_001276503.2); short protein forms S50F, S89F.
Identifiers: ClinVar variation 3316921 (VCV003316921.2).
Genomic context (GRCh38, chr11:112,088,963, plus strand): 5'-AGAGGGTTGTCAGTGTTTTGCTCCTGGGTCTGCTTCCGGCTGCTTATTTGAATCCTTGCT[C>T]TGCGATGGACTATTCCCTGGCTGCAGCCCTCACTCTTCATGGTCACTGGCAAGTATAGCA-3'
Protein context (NP_002993.1, residues 79-99): LLPAAYLNPC[Ser89Phe]AMDYSLAAAL